The following is an entry in ClinVar:

NM_001184.4(ATR):c.7762-2A>C

Gene: ATR (ATR checkpoint kinase; minus strand). Cytogenetic location: 3q23.
Variant type: single nucleotide variant.
Coding change: c.7762-2A>C on transcript NM_001184.4 (MANE Select); the canonical splice acceptor site of the intron before coding-DNA position 7762, A replaced by C.
Molecular consequence: splice acceptor variant.
Genome position (GRCh38, 1-based): chr3:142,449,604, T>G on the plus strand (A>C on the coding strand, the complement: ATR is on the minus strand). VCF-style: chr3-142449604-T-G. GRCh37 (hg19) VCF-style: chr3-142168446-T-G.
Other names: c.7570-2A>C (NM_001354579.2).
Identifiers: ClinVar variation 2707416 (VCV002707416.3), dbSNP rs761588508, ClinGen allele CA84718635.

ClinVar aggregate classification (germline): Uncertain significance (1 of 4 stars; one submission).

Allele frequency attached by ClinVar (database versions not stated): gnomAD 0.00001; TOPMed 0.00002.
gnomAD v4.1: 3 of 1,613,808 alleles (0.00019%); highest among the groups gnomAD compares: African/African-American, 0.004%; no homozygotes.

Submission:

Labcorp Genetics (formerly Invitae), Labcorp
Classification: Uncertain significance. Last evaluated: 2023-02-13. Review status: criteria provided, single submitter. Criteria: Invitae Variant Classification Sherloc (09022015). Collection method: clinical testing. Allele origin: germline.
Comment: In summary, the available evidence is currently insufficient to determine the role of this variant in disease. Therefore, it has been classified as a Variant of Uncertain Significance. This sequence change affects an acceptor splice site in intron 46 of the ATR gene. While this variant is not anticipated to result in nonsense mediated decay, it likely alters RNA splicing and results in a disrupted protein product. This variant is not present in population databases (gnomAD no frequency). This variant has not been reported in the literature in individuals affected with ATR-related conditions. Variants that disrupt the consensus splice site are a relatively common cause of aberrant splicing (PMID: 17576681, 9536098). Algorithms developed to predict the effect of sequence changes on RNA splicing suggest that this variant may disrupt the consensus splice site.

Literature cited by the submitters: PubMed 17576681; PubMed 9536098.